The following is an entry in ClinVar:

ClinVar aggregate classification (germline): Uncertain significance (1 of 4 stars; one submission).

Submission:

Women's Health and Genetics/Laboratory Corporation of America, LabCorp
Classification: Uncertain significance. Last evaluated: 2026-01-14. Review status: criteria provided, single submitter. Criteria: LabCorp Variant Classification Summary - May 2015. Collection method: clinical testing. Allele origin: germline.
Comment: Variant summary: ATRX c.6799A>C (p.Thr2267Pro) results in a non-conservative amino acid change in the encoded protein sequence. Algorithms developed to predict the effect of missense changes on protein structure and function all suggest that this variant is likely to be disruptive. The frequency data for this variant in gnomAD is considered unreliable, as metrics indicate poor data quality at this position. To our knowledge, no occurrence of c.6799A>C in individuals affected with ATRX-related conditions and no experimental evidence demonstrating its impact on protein function have been reported. No submitters have cited clinical-significance assessments for this variant to ClinVar. Based on the evidence outlined above, the variant was classified as uncertain significance.

NM_000489.6(ATRX):c.6799A>C (p.Thr2267Pro)

Gene: ATRX (ATRX chromatin remodeler; minus strand). Cytogenetic location: Xq21.1.
Variant type: single nucleotide variant.
Coding change: c.6799A>C on transcript NM_000489.6 (MANE Select); coding-DNA position 6799, A replaced by C.
Protein change: p.Thr2267Pro; replaces threonine 2267 with proline.
Molecular consequence: missense variant.
Genome position (GRCh38, 1-based): chrX:77,523,302, T>G on the plus strand (A>C on the coding strand, the complement: ATRX is on the minus strand). VCF-style: chrX-77523302-T-G. GRCh37 (hg19) VCF-style: chrX-76778780-T-G.
Other names: c.6685A>C, p.Thr2229Pro (NM_138270.5); short protein forms T2229P, T2267P.
Identifiers: ClinVar variation 4689398 (VCV004689398.1).